The following is an entry in ClinVar:

ClinVar aggregate classification (germline): Uncertain significance. Review status: criteria provided, multiple submitters, no conflicts (2 of 4 stars). 2 submissions from 2 submitters: Uncertain significance (2). Last evaluated 2023-12-28.

Allele frequency attached by ClinVar (database versions not stated): gnomAD exomes below 0.00001 and 0.00001; TOPMed 0.00001.
gnomAD v4.1: 3 of 1,184,287 alleles (0.00025%); highest among the groups gnomAD compares: Admixed American, 0.0047%; no homozygotes.

Submissions (2):

Ambry Genetics
Classification: Uncertain significance. Last evaluated: 2023-12-28. Review status: criteria provided, single submitter. Criteria: Ambry Variant Classification Scheme 2023. Collection method: clinical testing. Allele origin: germline.

Labcorp Genetics (formerly Invitae), Labcorp
Classification: Uncertain significance. Last evaluated: 2021-09-30. Review status: criteria provided, single submitter. Criteria: Invitae Variant Classification Sherloc (09022015). Collection method: clinical testing. Allele origin: germline.
Comment: This sequence change replaces leucine with proline at codon 549 of the SH3KBP1 protein (p.Leu549Pro). The leucine residue is moderately conserved and there is a moderate physicochemical difference between leucine and proline. This variant is not present in population databases (ExAC no frequency). This variant has not been reported in the literature in individuals affected with SH3KBP1-related conditions. Algorithms developed to predict the effect of missense changes on protein structure and function (SIFT, PolyPhen-2, Align-GVGD) all suggest that this variant is likely to be tolerated. In summary, the available evidence is currently insufficient to determine the role of this variant in disease. Therefore, it has been classified as a Variant of Uncertain Significance.

NM_031892.3(SH3KBP1):c.1646T>C (p.Leu549Pro)

Gene: SH3KBP1 (SH3 domain containing kinase binding protein 1; minus strand). Cytogenetic location: Xp22.12.
Variant type: single nucleotide variant.
Coding change: c.1646T>C on transcript NM_031892.3 (MANE Select); coding-DNA position 1646, T replaced by C.
Protein change: p.Leu549Pro; replaces leucine 549 with proline.
Molecular consequence: missense variant.
Genome position (GRCh38, 1-based): chrX:19,542,171, A>G on the plus strand (T>C on the coding strand, the complement: SH3KBP1 is on the minus strand). VCF-style: chrX-19542171-A-G. GRCh37 (hg19) VCF-style: chrX-19560289-A-G.
Other names: c.1646T>C (NM_031892.2); c.1535T>C, p.Leu512Pro (NM_001024666.3); c.932T>C, p.Leu311Pro (NM_001184960.2); c.1517T>C, p.Leu506Pro (NM_001353890.2); c.1721T>C, p.Leu574Pro (NM_001353891.2); c.1592T>C, p.Leu531Pro (NM_001353892.2); c.1544T>C, p.Leu515Pro (NM_001353893.2); c.1415T>C, p.Leu472Pro (NM_001353894.2); and 2 more; short protein forms L311P, L512P, L472P, L506P, L531P, L549P, L491P, L515P.
Identifiers: ClinVar variation 1524154 (VCV001524154.7), dbSNP rs1395346552, ClinGen allele CA412496116.